The following is an entry in ClinVar:

NM_000089.4(COL1A2):c.739G>A (p.Gly247Ser)

Gene: COL1A2 (collagen type I alpha 2 chain; plus strand). Cytogenetic location: 7q21.3.
Variant type: single nucleotide variant.
Coding change: c.739G>A on transcript NM_000089.4 (MANE Select); coding-DNA position 739, G replaced by A.
Protein change: p.Gly247Ser; replaces glycine 247 with serine.
Molecular consequence: missense variant.
Genome position (GRCh38, 1-based): chr7:94,408,770, G>A. VCF-style: chr7-94408770-G-A. GRCh37 (hg19) VCF-style: chr7-94038082-G-A.
Other names: short protein forms G247S.
Identifiers: ClinVar variation 2682437 (VCV002682437.4), dbSNP rs1064794058, ClinGen allele CA368220429.

ClinVar aggregate classification (germline): Pathogenic/Likely pathogenic. Review status: criteria provided, multiple submitters, no conflicts (2 of 4 stars). 3 submissions from 3 submitters: Pathogenic (1); Likely pathogenic (2). Last evaluated 2024-11-27.

Conditions:
Combined osteogenesis imperfecta and Ehlers-Danlos syndrome 2. Also called: OIEDS SYNDROME 2. Identifiers: MedGen C5436847, MONDO:0030855, OMIM 619120.
Ehlers-Danlos syndrome, cardiac valvular type. Identifiers: Orphanet 230851, MedGen C4303789, MONDO:0009159, OMIM 225320.
Osteogenesis imperfecta, perinatal lethal (OI2). Also called: Osteogenesis imperfecta, dominant perinatal lethal; OSTEOGENESIS IMPERFECTA, TYPE II; OI, TYPE II; OSTEOGENESIS IMPERFECTA CONGENITA; VROLIK TYPE OF OSTEOGENESIS IMPERFECTA; Osteogenesis imperfecta type 2. Identifiers: Orphanet 216804, MedGen C0268358, MONDO:0008147, OMIM 166210.
Osteogenesis imperfecta type III (OI3). Also called: Progressively Deforming Osteogenesis Imperfecta; Osteogenesis imperfecta type 3; OI type 3; Osteogenesis imperfecta, progressively deforming with normal sclerae; OI type III. Identifiers: Orphanet 216812, Orphanet 666, MedGen C0268362, MONDO:0009804, OMIM 259420.
Osteogenesis imperfecta with normal sclerae, dominant form (OI4). Also called: OSTEOGENESIS IMPERFECTA, TYPE IV, WITH DENTINOGENESIS IMPERFECTA; OSTEOGENESIS IMPERFECTA WITH NORMAL SCLERAE; Osteogenesis imperfecta type 4; Common Variable Osteogenesis Imperfecta with Normal Sclerae; Osteogenesis Imperfecta Type IV. Identifiers: Orphanet 216820, Orphanet 666, MedGen C0268363, MONDO:0008148, OMIM 166220.
Ehlers-Danlos syndrome, arthrochalasia type, 2. Also called: EHLERS-DANLOS SYNDROME, TYPE VIIB, AUTOSOMAL DOMINANT. Identifiers: MedGen CN293783, MONDO:0040501, OMIM 617821.
Osteoporosis. Identifiers: MedGen C0029456, MONDO:0005298, OMIM 166710, HP:0000939.
Ehlers-Danlos syndrome (EDS). Identifiers: Orphanet 98249, MedGen C0013720, MONDO:0020066.
Ehlers-Danlos syndrome, classic type, 1 (EDSCL1). Also called: EHLERS-DANLOS SYNDROME, GRAVIS TYPE; EHLERS-DANLOS SYNDROME, SEVERE CLASSIC TYPE; Ehlers-Danlos syndrome, type 1; Ehlers-Danlos Syndrome, Classic Type, COL5A1-Related; EDS I. Identifiers: MedGen C0268335, MONDO:0019567, OMIM 130000.
Osteogenesis imperfecta type I (OI1). Also called: OI, TYPE I; OSTEOGENESIS IMPERFECTA TARDA; OSTEOGENESIS IMPERFECTA WITH BLUE SCLERAE; Osteogenesis imperfecta type 1; Classic Non-deforming Osteogenesis Imperfecta with Blue Sclerae; Lobstein's Disease. Identifiers: Orphanet 216796, Orphanet 666, MedGen C0023931, MONDO:0008146, OMIM 166200. Disease mechanism: loss of function.

Allele frequency attached by ClinVar (database versions not stated): gnomAD 0.00001.
gnomAD v4.1: 2 of 1,613,868 alleles (0.00012%); highest among the groups gnomAD compares: African/African-American, 0.0027%; no homozygotes.

Submissions (3):

Labcorp Genetics (formerly Invitae), Labcorp
Classification: Pathogenic for Osteogenesis imperfecta type I; Ehlers-Danlos syndrome, classic type, 1. Last evaluated: 2024-11-27. Review status: criteria provided, single submitter. Criteria: Invitae Variant Classification Sherloc (09022015). Collection method: clinical testing. Allele origin: germline.
Comment: This sequence change replaces glycine, which is neutral and non-polar, with serine, which is neutral and polar, at codon 247 of the COL1A2 protein (p.Gly247Ser). This variant is not present in population databases (gnomAD no frequency). This variant has not been reported in the literature in individuals affected with COL1A2-related conditions. ClinVar contains an entry for this variant (Variation ID: 2682437). Experimental studies and prediction algorithms are not available or were not evaluated, and the functional significance of this variant is currently unknown. This variant disrupts the triple helix domain of COL1A2. Glycine residues within the Gly-Xaa-Yaa repeats of the triple helix domain are required for the structure and stability of fibrillar collagens (PMID: 7695699, 8218237, 19344236). In COL1A2, variants affecting these glycine residues are significantly enriched in individuals with disease (PMID: 9016532, 17078022) compared to the general population (ExAC). This variant disrupts the p.Gly247 amino acid residue in COL1A2. Other variant(s) that disrupt this residue have been observed in individuals with COL1A2-related conditions (PMID: 16786509, 28116328, 30283887, 31429852), which suggests that this may be a clinically significant amino acid residue. For these reasons, this variant has been classified as Pathogenic.

Women's Health and Genetics/Laboratory Corporation of America, LabCorp
Classification: Likely pathogenic for Ehlers-Danlos syndrome. Last evaluated: 2023-11-02. Review status: criteria provided, single submitter. Criteria: LabCorp Variant Classification Summary - May 2015. Collection method: clinical testing. Allele origin: germline.
Comment: Variant summary: COL1A2 c.739G>A (p.Gly247Ser) results in a non-conservative amino acid change in the encoded protein sequence. The variant affects a Glycine residue of the triple-helical region containing Gly-X-Y repeats, which is a known disease mechanism for this gene. Five of five in-silico tools predict a damaging effect of the variant on protein function. The variant was absent in 251456 control chromosomes. The available data on variant occurrences in the general population are insufficient to allow any conclusion about variant significance. To our knowledge, no occurrence of c.739G>A in individuals affected with Ehlers-Danlos Syndrome and no experimental evidence demonstrating its impact on protein function have been reported. However, several other variants affecting the same codon have been reported in HGMD in patients with Osteogenesis imperfecta (p.G247R, p.G247D, p.G247V). No submitters have cited clinical-significance assessments for this variant to ClinVar after 2014. Based on the evidence outlined above, the variant was classified as likely pathogenic.

Juno Genomics, Hangzhou Juno Genomics, Inc
Classification: Likely pathogenic for Osteoporosis; Combined osteogenesis imperfecta and Ehlers-Danlos syndrome 2; Ehlers-Danlos syndrome, arthrochalasia type, 2; Ehlers-Danlos syndrome, cardiac valvular type; Osteogenesis imperfecta, perinatal lethal; Osteogenesis imperfecta type III; Osteogenesis imperfecta with normal sclerae, dominant form. Review status: criteria provided, single submitter. Criteria: ACMG Guidelines, 2015. Collection method: clinical testing. Allele origin: germline. Affected: yes.
Comment: Absent from controls (or at extremely low frequency if recessive) in Genome Aggregation Database, Exome Sequencing Project, 1000 Genomes Project, or Exome Aggregation Consortium.;Multiple lines of computational evidence support a deleterious effect on the gene or gene product (conservation, evolutionary, splicing impact, etc).;Missense variant in a gene that has a low rate of benign missense variation and where missense variants are a common mechanism of disease.;Novel missense change at an amino acid residue where a different missense change determined to be pathogenic has been seen before.

Literature cited by the submitters: PubMed 7695699 (cited by Labcorp Genetics (formerly Invitae), Labcorp); PubMed 8218237 (cited by Labcorp Genetics (formerly Invitae), Labcorp); PubMed 19344236 (cited by Labcorp Genetics (formerly Invitae), Labcorp); PubMed 9016532 (cited by Labcorp Genetics (formerly Invitae), Labcorp); PubMed 17078022 (cited by Labcorp Genetics (formerly Invitae), Labcorp); PubMed 16786509 (cited by Labcorp Genetics (formerly Invitae), Labcorp); PubMed 28116328 (cited by Labcorp Genetics (formerly Invitae), Labcorp); PubMed 30283887 (cited by Labcorp Genetics (formerly Invitae), Labcorp); PubMed 31429852 (cited by Labcorp Genetics (formerly Invitae), Labcorp).